The following is an entry in ClinVar:

ClinVar aggregate classification (germline): Likely benign. Review status: criteria provided, multiple submitters, no conflicts (2 of 4 stars). 2 submissions from 2 submitters: Likely benign (2). Last evaluated 2025-03-11.

Conditions:
Pheochromocytoma/paraganglioma syndrome 5. Also called: Paragangliomas 5; SDHA-Related Hereditary Paraganglioma-Pheochromocytoma Syndrome. Identifiers: Orphanet 29072, MedGen C3279992, MONDO:0013602, OMIM 614165.
Mitochondrial complex II deficiency, nuclear type 1. Also called: SUCCINATE CoQ REDUCTASE DEFICIENCY. Identifiers: Orphanet 3208, MedGen C5700310, MONDO:0100294, OMIM 252011.

Submissions (2):

Myriad Genetics, Inc.
Classification: Likely benign for Pheochromocytoma/paraganglioma syndrome 5. Last evaluated: 2025-03-11. Review status: criteria provided, single submitter. Criteria: Myriad Autosomal Dominant, Autosomal Recessive and X-Linked Classification Criteria (2023). Collection method: clinical testing. Allele origin: unknown.
Comment: This variant is considered likely benign. This variant is intronic and is not expected to impact mRNA splicing.

Labcorp Genetics (formerly Invitae), Labcorp
Classification: Likely benign for Pheochromocytoma/paraganglioma syndrome 5; Mitochondrial complex II deficiency, nuclear type 1. Last evaluated: 2018-03-15. Review status: criteria provided, single submitter. Criteria: Invitae Variant Classification Sherloc (09022015). Collection method: clinical testing. Allele origin: germline.

NM_004168.4(SDHA):c.1908+10G>A

Gene: SDHA (succinate dehydrogenase complex flavoprotein subunit A; plus strand). Cytogenetic location: 5p15.33.
Variant type: single nucleotide variant.
Coding change: c.1908+10G>A on transcript NM_004168.4 (MANE Select); 10 bases into the intron after coding-DNA position 1908, G replaced by A.
Molecular consequence: intron variant.
Genome position (GRCh38, 1-based): chr5:254,516, G>A. VCF-style: chr5-254516-G-A. GRCh37 (hg19) VCF-style: chr5-254631-G-A.
Other names: c.1665+10G>A (NM_001330758.2); c.1764+10G>A (NM_001294332.2).
Identifiers: ClinVar variation 773947 (VCV000773947.11), dbSNP rs1579445450, ClinGen allele CA915943276.